The following is an entry in ClinVar:

NC_000014.9:g.104775025_104775026insATGCCACCCCGTCCTGTAAAGCAGGGCTGGGTGAG

Gene: AKT1 (AKT serine/threonine kinase 1; minus strand). Cytogenetic location: 14q32.33.
Variant type: Insertion.
Genome position: GRCh38: chr14:104,775,025-104,775,026. GRCh37 (hg19): chr14:105,241,362-105,241,363.
Identifiers: ClinVar variation 1472852 (VCV001472852.6), ClinGen allele CA2573150540.

ClinVar aggregate classification (germline): Uncertain significance (1 of 4 stars; one submission).

Conditions:
Cowden syndrome 6 (CWS6). Identifiers: Orphanet 201, MedGen C3554519, MONDO:0014048, OMIM 615109.

Submission:

Labcorp Genetics (formerly Invitae), Labcorp
Classification: Uncertain significance for Cowden syndrome 6. Last evaluated: 2020-12-23. Review status: criteria provided, single submitter. Criteria: Invitae Variant Classification Sherloc (09022015). Collection method: clinical testing. Allele origin: germline.
Comment: In summary, the available evidence is currently insufficient to determine the role of this variant in disease. Therefore, it has been classified as a Variant of Uncertain Significance. Algorithms developed to predict the effect of sequence changes on RNA splicing suggest that this variant may create or strengthen a splice site, but this prediction has not been confirmed by published transcriptional studies. This variant has not been reported in the literature in individuals with AKT1-related conditions. This variant is not present in population databases (ExAC no frequency). This sequence change creates a premature translational stop signal (p.Glu191Glyfs*35) in the AKT1 gene. It is expected to result in an absent or disrupted protein product. However, the current clinical and genetic evidence is not sufficient to establish whether loss-of-function variants in AKT1 cause disease.